The following is an entry in ClinVar:

ClinVar aggregate classification (germline): Uncertain significance (1 of 4 stars; one submission).

Conditions:
Primary ciliary dyskinesia. Also called: Ciliary dyskinesia. Identifiers: Orphanet 244, MedGen C0008780, MONDO:0016575, HP:0012265.

Submission:

Labcorp Genetics (formerly Invitae), Labcorp
Classification: Uncertain significance for Primary ciliary dyskinesia. Last evaluated: 2024-05-17. Review status: criteria provided, single submitter. Criteria: Invitae Variant Classification Sherloc (09022015). Collection method: clinical testing. Allele origin: germline.
Comment: This variant, c.2667_2669dup, results in the insertion of 1 amino acid(s) of the RPGR (ORF15) protein (p.Glu890dup), but otherwise preserves the integrity of the reading frame. This variant is not present in population databases (gnomAD no frequency). This variant has not been reported in the literature in individuals affected with RPGR (ORF15)-related conditions. In summary, the available evidence is currently insufficient to determine the role of this variant in disease. Therefore, it has been classified as a Variant of Uncertain Significance.

NM_001034853.2(RPGR):c.2667_2669dup (p.Glu890_Gly891insGlu)

Gene: RPGR (retinitis pigmentosa GTPase regulator; minus strand). Cytogenetic location: Xp11.4.
Variant type: Duplication.
Coding change: c.2667_2669dup on transcript NM_001034853.2 (MANE Select); coding-DNA positions 2667 to 2669, 3 bases duplicated (GGA; older notation c.2667_2669dupGGA).
Protein change: p.Glu890_Gly891insGlu.
Molecular consequence: intron variant (on NM_001367249.1).
Genome position (GRCh38, 1-based): chrX:38,286,330-38,286,332, TCC duplicated on the plus strand (GGA on the coding strand, the reverse complement: RPGR is on the minus strand); duplicating any 3 consecutive bases within chrX:38,286,330-38,286,334 gives the same sequence; the c. name uses the placement nearest the transcript's 3' end. VCF-style (leftmost placement, unchanged base first): chrX-38286329-T-TTCC. GRCh37 (hg19) VCF-style: chrX-38145582-T-TTCC.
Other names: c.1569+4627_1569+4629dup (NM_001367249.1, NM_001367250.1); c.1902+762_1902+764dup (NM_001367245.1); c.1386+4627_1386+4629dup (NM_001367251.1); c.1719+762_1719+764dup (NM_001367246.1); c.1572+4627_1572+4629dup (NM_001367247.1); c.1905+762_1905+764dup (NM_000328.3); c.1602+4627_1602+4629dup (NM_001367248.1).
Identifiers: ClinVar variation 3708062 (VCV003708062.2).